The following is an entry in ClinVar:

NM_000548.5(TSC2):c.3914C>G (p.Pro1305Arg)

Gene: TSC2 (TSC complex subunit 2; plus strand). Cytogenetic location: 16p13.3.
Variant type: single nucleotide variant.
Coding change: c.3914C>G on transcript NM_000548.5 (MANE Select); coding-DNA position 3914, C replaced by G.
Protein change: p.Pro1305Arg; replaces proline 1305 with arginine.
Molecular consequence: missense variant.
Genome position (GRCh38, 1-based): chr16:2,083,725, C>G. VCF-style: chr16-2083725-C-G. GRCh37 (hg19) VCF-style: chr16-2133726-C-G.
Other names: c.3713C>G, p.Pro1238Arg (NM_001077183.3); c.3845C>G, p.Pro1282Arg (NM_001114382.3); c.3605C>G, p.Pro1202Arg (NM_001318827.2); c.3569C>G, p.Pro1190Arg (NM_001318829.2); c.3182C>G, p.Pro1061Arg (NM_001318831.2); c.3746C>G, p.Pro1249Arg (NM_001318832.2); c.3716C>G, p.Pro1239Arg (NM_001363528.2); c.3782C>G, p.Pro1261Arg (NM_001370404.1); and 1 more; short protein forms P1061R, P1190R, P1261R, P1238R, P1249R, P1202R, P1239R, P1262R.
Identifiers: ClinVar variation 653658 (VCV000653658.9), dbSNP rs45517320, ClinGen allele CA049590.

ClinVar aggregate classification (germline): Conflicting classifications of pathogenicity. Review status: criteria provided, conflicting classifications (1 of 4 stars). 2 submissions from 2 submitters: Uncertain significance (1); Benign (1). Last evaluated 2025-12-30.

Conditions:
Hereditary cancer-predisposing syndrome. Also called: Neoplastic Syndromes, Hereditary; Hereditary neoplastic syndrome; Tumor predisposition; Hereditary Cancer Syndrome. Identifiers: Orphanet 140162, MedGen C0027672, MeSH D009386, MONDO:0015356.
Tuberous sclerosis 2 (TSC2). Identifiers: Orphanet 805, MedGen C1860707, MONDO:0013199, OMIM 613254.

gnomAD v4.1: 1 of 1,597,670 alleles (0.000063%); highest among the groups gnomAD compares: Non-Finnish European, 0.000085%; no homozygotes.

Submissions (2):

Ambry Genetics
Classification: Uncertain significance for Hereditary cancer-predisposing syndrome. Last evaluated: 2025-12-30. Review status: criteria provided, single submitter. Criteria: Ambry Variant Classification Scheme 2023. Collection method: clinical testing. Allele origin: germline.
Comment: The p.P1305R variant (also known as c.3914C>G), located in coding exon 32 of the TSC2 gene, results from a C to G substitution at nucleotide position 3914. The proline at codon 1305 is replaced by arginine, an amino acid with dissimilar properties. This amino acid position is not well conserved in available vertebrate species. In addition, the in silico prediction for this alteration is inconclusive. Based on the available evidence, the clinical significance of this variant remains unclear.

Labcorp Genetics (formerly Invitae), Labcorp
Classification: Benign for Tuberous sclerosis 2. Last evaluated: 2025-03-05. Review status: criteria provided, single submitter. Criteria: Invitae Variant Classification Sherloc (09022015). Collection method: clinical testing. Allele origin: germline.